The following is an entry in ClinVar:

NM_015450.3(POT1):c.1898del (p.Val633fs)

Gene: POT1 (protection of telomeres 1; minus strand). Cytogenetic location: 7q31.33.
Variant type: Deletion.
Coding change: c.1898del on transcript NM_015450.3 (MANE Select); coding-DNA position 1898, one base deleted (T; older notation c.1898delT).
Protein change: p.Val633fs; shifts the reading frame from valine 633.
Molecular consequence: frameshift variant. On other transcripts: non-coding transcript variant (3).
Genome position (GRCh38, 1-based): chr7:124,823,969, A deleted on the plus strand (T on the coding strand, the reverse complement: POT1 is on the minus strand). VCF-style (leftmost placement, unchanged base first): chr7-124823968-TA-T. GRCh37 (hg19) VCF-style: chr7-124464022-TA-T.
Other names: c.1505del, p.Val502fs (NM_001042594.2); short protein forms V502fs, V633fs.
Identifiers: ClinVar variation 2585758 (VCV002585758.2), dbSNP rs2485332564, ClinGen allele CA2582341945.

ClinVar aggregate classification (germline): Uncertain significance (1 of 4 stars; one submission).

Conditions:
Hereditary cancer-predisposing syndrome. Also called: Hereditary neoplastic syndrome; Tumor predisposition; Hereditary Cancer Syndrome; Neoplastic Syndromes, Hereditary. Identifiers: Orphanet 140162, MedGen C0027672, MeSH D009386, MONDO:0015356.

Submission:

Ambry Genetics
Classification: Uncertain significance for Hereditary cancer-predisposing syndrome. Last evaluated: 2023-07-05. Review status: criteria provided, single submitter. Criteria: Ambry Variant Classification Scheme 2023. Collection method: clinical testing. Allele origin: germline.
Comment: The c.1898delT variant, located in coding exon 15 of the POT1 gene, results from a deletion of one nucleotide at nucleotide position 1898, causing a translational frameshift with a predicted alternate stop codon (p.V633Efs*21). This alteration occurs at the 3' terminus of thePOT1 gene, is not expected to trigger nonsense-mediated mRNAdecay and results in the elongation of the protein by 18 amino acids. This frameshift impacts the last 2amino acids of the native protein. The exact functional effect of the altered amino acids is unknown. Since supporting evidence is limited at this time, the clinical significance of this alteration remains unclear.